The following is an entry in ClinVar:

ClinVar aggregate classification (germline): Uncertain significance (1 of 4 stars; one submission).

Conditions:
Primary ciliary dyskinesia 28. Also called: CILIARY DYSKINESIA, PRIMARY, 28, WITH OR WITHOUT SITUS INVERSUS. Identifiers: Orphanet 244, MedGen C3809706, MONDO:0014216, OMIM 615505.

Allele frequency attached by ClinVar (database versions not stated): ExAC 0.00002; gnomAD exomes 0.00002 and 0.00006; TOPMed 0.00006; ESP Exome Variant Server 0.00008; gnomAD 0.00009 and 0.00010.
gnomAD v4.1: 107 of 1,613,838 alleles (0.0066%); highest among the groups gnomAD compares: Non-Finnish European, 0.0073%; no homozygotes.

Submission:

Labcorp Genetics (formerly Invitae), Labcorp
Classification: Uncertain significance for Primary ciliary dyskinesia 28. Last evaluated: 2024-11-04. Review status: criteria provided, single submitter. Criteria: Invitae Variant Classification Sherloc (09022015). Collection method: clinical testing. Allele origin: germline.
Comment: This sequence change replaces arginine, which is basic and polar, with glutamine, which is neutral and polar, at codon 527 of the SPAG1 protein (p.Arg527Gln). This variant is present in population databases (rs150325048, gnomAD 0.004%). This variant has not been reported in the literature in individuals affected with SPAG1-related conditions. ClinVar contains an entry for this variant (Variation ID: 1477269). Invitae Evidence Modeling of protein sequence and biophysical properties (such as structural, functional, and spatial information, amino acid conservation, physicochemical variation, residue mobility, and thermodynamic stability) indicates that this missense variant is expected to disrupt SPAG1 protein function with a positive predictive value of 80%. In summary, the available evidence is currently insufficient to determine the role of this variant in disease. Therefore, it has been classified as a Variant of Uncertain Significance.

NM_003114.5(SPAG1):c.1580G>A (p.Arg527Gln)

Gene: SPAG1 (sperm associated antigen 1; plus strand). Cytogenetic location: 8q22.2.
Variant type: single nucleotide variant.
Coding change: c.1580G>A on transcript NM_003114.5 (MANE Select); coding-DNA position 1580, G replaced by A.
Protein change: p.Arg527Gln; replaces arginine 527 with glutamine.
Molecular consequence: missense variant.
Genome position (GRCh38, 1-based): chr8:100,220,323, G>A. VCF-style: chr8-100220323-G-A. GRCh37 (hg19) VCF-style: chr8-101232551-G-A.
Other names: c.1580G>A, p.Arg527Gln (NM_001374321.1, NM_172218.3); short protein forms R527Q.
Identifiers: ClinVar variation 1477269 (VCV001477269.6), dbSNP rs150325048, ClinGen allele CA4827539.